The following is an entry in ClinVar:

NM_002691.4(POLD1):c.1353G>C (p.Met451Ile)

Gene: POLD1 (DNA polymerase delta 1, catalytic subunit; plus strand). Cytogenetic location: 19q13.33.
Variant type: single nucleotide variant.
Coding change: c.1353G>C on transcript NM_002691.4 (MANE Select); coding-DNA position 1353, G replaced by C.
Protein change: p.Met451Ile; replaces methionine 451 with isoleucine.
Molecular consequence: missense variant. On other transcripts: non-coding transcript variant (1).
Genome position (GRCh38, 1-based): chr19:50,406,292, G>C. VCF-style: chr19-50406292-G-C. GRCh37 (hg19) VCF-style: chr19-50909549-G-C.
Other names: c.1353G>C, p.Met451Ile (NM_001256849.1, NM_001308632.1); short protein forms M451I.
Identifiers: ClinVar variation 1392765 (VCV001392765.6), dbSNP rs2122320785, ClinGen allele CA406979934.

ClinVar aggregate classification (germline): Uncertain significance (1 of 4 stars; one submission).

Conditions:
POLD1-related polyposis and colorectal cancer syndrome (CRCS10). Also called: Colorectal cancer, susceptibility to, 10; Colorectal cancer 10; COLORECTAL CANCER, SUSCEPTIBILITY TO, ON CHROMOSOME 19q. Identifiers: Orphanet 220460, MedGen C2675481, MONDO:0012953, OMIM 612591.

Submission:

Labcorp Genetics (formerly Invitae), Labcorp
Classification: Uncertain significance for POLD1-related polyposis and colorectal cancer syndrome. Last evaluated: 2024-07-29. Review status: criteria provided, single submitter. Criteria: Invitae Variant Classification Sherloc (09022015). Collection method: clinical testing. Allele origin: germline.
Comment: This sequence change replaces methionine, which is neutral and non-polar, with isoleucine, which is neutral and non-polar, at codon 451 of the POLD1 protein (p.Met451Ile). This variant is not present in population databases (gnomAD no frequency). This variant has not been reported in the literature in individuals affected with POLD1-related conditions. ClinVar contains an entry for this variant (Variation ID: 1392765). Advanced modeling of protein sequence and biophysical properties (such as structural, functional, and spatial information, amino acid conservation, physicochemical variation, residue mobility, and thermodynamic stability) performed at Invitae indicates that this missense variant is not expected to disrupt POLD1 protein function with a negative predictive value of 80%. In summary, the available evidence is currently insufficient to determine the role of this variant in disease. Therefore, it has been classified as a Variant of Uncertain Significance.